The following is an entry in ClinVar:

NM_207361.6(FREM2):c.7881C>G (p.Tyr2627Ter)

Gene: FREM2 (FRAS1 related extracellular matrix 2; plus strand). Cytogenetic location: 13q13.3.
Variant type: single nucleotide variant.
Coding change: c.7881C>G on transcript NM_207361.6 (MANE Select); coding-DNA position 7881, C replaced by G.
Protein change: p.Tyr2627Ter; replaces tyrosine 2627 with a stop codon.
Molecular consequence: nonsense.
Genome position (GRCh38, 1-based): chr13:38,864,504, C>G. VCF-style: chr13-38864504-C-G. GRCh37 (hg19) VCF-style: chr13-39438641-C-G.
Other names: short protein forms Y2627*.
Identifiers: ClinVar variation 4073524 (VCV004073524.1).

ClinVar aggregate classification (germline): Pathogenic (0 of 4 stars; one submission).

Conditions:
Fraser syndrome 2 (FRASRS2). Identifiers: MedGen C4540036, MONDO:0054738, OMIM 617666.

Submission:

Medical Research Center, Medical College, Shaoxing University
Classification: Pathogenic for Fraser syndrome 2. Last evaluated: 2025-05-23. Review status: no assertion criteria provided. Collection method: clinical testing. Allele origin: paternal. Affected: yes.
Comment: The Tyr2627Ter variant in FREM2 has not been reported. This is a novel discovery. According to the analysis, this mutation belongs to a nonsense mutation, which would lead to premature termination of the encoded protein sequence. In summary, the Tyr2627Ter variant meets our criteria to be classified as pathogenic.